The following is an entry in ClinVar:

NM_000551.4(VHL):c.463+4C>T

Genes: VHL (von Hippel-Lindau tumor suppressor; plus strand), LOC107303340 (3p25 von Hippel-Lindau tumor suppressor, E3 ubiquitin protein ligase Alu-mediated recombination region; plus strand). Cytogenetic location: 3p25.3.
Variant type: single nucleotide variant.
Coding change: c.463+4C>T on transcript NM_000551.4 (MANE Select); 4 bases into the intron after coding-DNA position 463, C replaced by T.
Molecular consequence: intron variant.
Genome position (GRCh38, 1-based): chr3:10,146,640, C>T. VCF-style: chr3-10146640-C-T. GRCh37 (hg19) VCF-style: chr3-10188324-C-T.
Other names: c.*18-3147C>T (NM_001354723.2); c.341-3147C>T (NM_198156.3).
Identifiers: ClinVar variation 245895 (VCV000245895.23), dbSNP rs879253989, ClinGen allele CA10584230.
Genomic context (GRCh38, chr3:10,146,640, plus strand): 5'-TTGTGCCATCTCTCAATGTTGACGGACAGCCTATTTTTGCCAATATCACACTGCCAGGTA[C>T]TGACGTTTTACTTTTTAAAAAGATAAGGTTGTTGTGGTAAGTACAGGATAGACCACTTGA-3'

ClinVar aggregate classification (germline): Conflicting classifications of pathogenicity. Review status: criteria provided, conflicting classifications (1 of 4 stars). 6 submissions from 6 submitters: Uncertain significance (2); Likely benign (4). Last evaluated 2025-12-21.

Conditions:
Chuvash polycythemia. Also called: POLYCYTHEMIA, VHL-DEPENDENT. Identifiers: Orphanet 238557, MedGen C1837915, MONDO:0009892, OMIM 263400.
Von Hippel-Lindau syndrome (VHLS). Also called: von Hippel–Lindau syndrome; Von Hippel-Lindau; VHL syndrome. Identifiers: Orphanet 892, MedGen C0019562, MONDO:0008667, OMIM 193300. Disease mechanism: loss of function.
Pheochromocytoma. Also called: MAX-Related Hereditary Paraganglioma-Pheochromocytoma Syndrome. Identifiers: Orphanet 29072, MedGen C0031511, MONDO:0008233, OMIM 171300, HP:0002666.
Nonpapillary renal cell carcinoma. Identifiers: Orphanet 422526, MedGen CN074294, MONDO:0007763, OMIM 144700.
Hereditary cancer-predisposing syndrome. Also called: Neoplastic Syndromes, Hereditary; Tumor predisposition; Hereditary neoplastic syndrome; Hereditary Cancer Syndrome. Identifiers: Orphanet 140162, MedGen C0027672, MeSH D009386, MONDO:0015356.

Allele frequency attached by ClinVar (database versions not stated): gnomAD exomes 0.00001 and 0.00003; TOPMed 0.00002.

Submissions (6):

Labcorp Genetics (formerly Invitae), Labcorp
Classification: Likely benign for Von Hippel-Lindau syndrome; Chuvash polycythemia. Last evaluated: 2025-12-21. Review status: criteria provided, single submitter. Criteria: Invitae Variant Classification Sherloc (09022015). Collection method: clinical testing. Allele origin: germline.

All of Us Research Program, National Institutes of Health
Classification: Likely benign for Von Hippel-Lindau syndrome. Last evaluated: 2024-08-23. Review status: criteria provided, single submitter. Criteria: ACMG Guidelines, 2015. Collection method: clinical testing. Allele origin: germline. Inheritance: Autosomal dominant inheritance. Observed: 5 variant alleles, 5 heterozygotes.
Comment: This study involves interpretation of variants in research participants for the purpose of population health screening. Participant phenotype was not available at the time of variant classification. Additional details can be found in publication PMID: 35346344, PMCID: PMC8962531

Fulgent Genetics
Classification: Uncertain significance for Nonpapillary renal cell carcinoma; Pheochromocytoma; Von Hippel-Lindau syndrome; Chuvash polycythemia. Last evaluated: 2024-03-25. Review status: criteria provided, single submitter. Criteria: ACMG Guidelines, 2015. Collection method: clinical testing. Allele origin: germline.

GeneDx
Classification: Uncertain significance. Last evaluated: 2023-06-18. Review status: criteria provided, single submitter. Criteria: GeneDx Variant Classification Process June 2021. Collection method: clinical testing. Allele origin: germline. Affected: yes.
Comment: In silico analysis supports that this variant does not alter splicing; Has not been previously published as pathogenic or benign to our knowledge; This variant is associated with the following publications: (PMID: 26323595)

Ambry Genetics
Classification: Likely benign for Hereditary cancer-predisposing syndrome. Last evaluated: 2021-07-16. Review status: criteria provided, single submitter. Criteria: Ambry Variant Classification Scheme 2023. Collection method: clinical testing. Allele origin: germline.

PreventionGenetics, part of Exact Sciences
Classification: Likely benign. Last evaluated: 2018-01-02. Review status: criteria provided, single submitter. Criteria: ACMG Guidelines, 2015. Collection method: clinical testing. Allele origin: germline.

Literature cited by the submitters: PubMed 26323595 (cited by Ambry Genetics).